The following is an entry in ClinVar:

ClinVar aggregate classification (germline): Pathogenic/Likely pathogenic. Review status: criteria provided, multiple submitters, no conflicts (2 of 4 stars). 3 submissions from 3 submitters: Pathogenic (1); Likely pathogenic (1). 1 of the submissions does not count toward it. Last evaluated 2025-12-08.

Conditions:
Zellweger spectrum disorders (ZS). Also called: Zellweger Spectrum Disorder (ZSD); Zellweger Spectrum Disorder; Zellweger Spectrum; Zellweger syndrome. Identifiers: Orphanet 912, MedGen C0043459, MONDO:0019609.
Peroxisome biogenesis disorder 6A (Zellweger). Also called: Peroxisome biogenesis disorder 6A. Identifiers: Orphanet 912, MedGen C3553947, MONDO:0013936, OMIM 614870.
Peroxisome biogenesis disorder 6B (PBD6B). Identifiers: Orphanet 44, MedGen C3553948, MONDO:0013937, OMIM 614871.
Peroxisome biogenesis disorder, complementation group 7 (CG7). Also called: Peroxisome biogenesis disorder, complementation group B. Identifiers: MedGen C1864399.

Submissions (3):

Natera, Inc.
Classification: Likely pathogenic for Zellweger syndrome. Last evaluated: 2025-12-08. Review status: criteria provided, single submitter. Criteria: Natera Variant Classification Schema (03/2026). Collection method: clinical testing. Allele origin: germline.
Comment: The c.26delC variant in PEX10 is a frameshift variant predicted to shift the reading frame beginning at codon 9 and leads to a stop codon 3 codons downstream. This variant is expected to result in nonsense mediated decay, truncation, or a dysfunctional protein product. This variant is rare in the general population with a frequency below the threshold expected for the associated phenotype(s). Given the available evidence, this variant is classified as Likely Pathogenic.

Labcorp Genetics (formerly Invitae), Labcorp
Classification: Pathogenic for Peroxisome biogenesis disorder, complementation group 7. Last evaluated: 2023-09-14. Review status: criteria provided, single submitter. Criteria: Invitae Variant Classification Sherloc (09022015). Collection method: clinical testing. Allele origin: germline.
Comment: This sequence change creates a premature translational stop signal (p.Pro9Argfs*3) in the PEX10 gene. It is expected to result in an absent or disrupted protein product. Loss-of-function variants in PEX10 are known to be pathogenic (PMID: 9683594, 10862081, 21031596). The frequency data for this variant in the population databases is considered unreliable, as metrics indicate poor data quality at this position in the gnomAD database. For these reasons, this variant has been classified as Pathogenic. ClinVar contains an entry for this variant (Variation ID: 555863). This variant has not been reported in the literature in individuals affected with PEX10-related conditions.

Counsyl
Classification: Likely pathogenic for Peroxisome biogenesis disorder 6A (Zellweger); Peroxisome biogenesis disorder 6B. Last evaluated: 2017-12-29. Review status: no assertion criteria provided. Collection method: clinical testing. Allele origin: unknown. Not counted in ClinVar's aggregate classification.

Literature cited by the submitters: PubMed 9683594 (cited by Labcorp Genetics (formerly Invitae), Labcorp); PubMed 10862081 (cited by Labcorp Genetics (formerly Invitae), Labcorp); PubMed 21031596 (cited by Labcorp Genetics (formerly Invitae), Labcorp).

NM_002617.4(PEX10):c.26del (p.Pro9fs)

Gene: PEX10 (peroxisomal biogenesis factor 10; minus strand). Cytogenetic location: 1p36.32.
Variant type: Deletion.
Coding change: c.26del on transcript NM_002617.4 (MANE Select); coding-DNA position 26, one base deleted (C; older notation c.26delC).
Protein change: p.Pro9fs; shifts the reading frame from proline 9.
Molecular consequence: frameshift variant. On other transcripts: intron variant (2).
Genome position (GRCh38, 1-based): chr1:2,412,477, G deleted on the plus strand (C on the coding strand, the reverse complement: PEX10 is on the minus strand); the first of 6 consecutive G bases (chr1:2,412,477-2,412,482); deleting any one gives the same sequence. VCF-style (leftmost placement, unchanged base first): chr1-2412476-CG-C. GRCh37 (hg19) VCF-style: chr1-2343915-CG-C.
Other names: c.26del, p.Pro9fs (NM_001374425.1, NM_153818.2); c.-321+1120del (NM_001374427.1, NM_001374426.1); c.26delC (NM_153818.1); short protein forms P9fs.
Identifiers: ClinVar variation 555863 (VCV000555863.7), dbSNP rs1553232917, ClinGen allele CA520680066.